The following is an entry in ClinVar:

NM_001365536.1(SCN9A):c.4666A>C (p.Ile1556Leu)

Genes: SCN9A (sodium voltage-gated channel alpha subunit 9; minus strand), SCN1A-AS1 (SCN1A and SCN9A antisense RNA 1; plus strand). Cytogenetic location: 2q24.3.
Variant type: single nucleotide variant.
Coding change: c.4666A>C on transcript NM_001365536.1 (MANE Select); coding-DNA position 4666, A replaced by C.
Protein change: p.Ile1556Leu; replaces isoleucine 1556 with leucine.
Molecular consequence: missense variant.
Genome position (GRCh38, 1-based): chr2:166,204,063, T>G on the plus strand (A>C on the coding strand, the complement: SCN9A is on the minus strand). VCF-style: chr2-166204063-T-G. GRCh37 (hg19) VCF-style: chr2-167060573-T-G.
Other names: c.4633A>C, p.Ile1545Leu (NM_002977.4); short protein forms I1556L, I1545L.
Identifiers: ClinVar variation 2937114 (VCV002937114.3), dbSNP rs1345955294, ClinGen allele CA349057489.

ClinVar aggregate classification (germline): Uncertain significance (1 of 4 stars; one submission).

Conditions:
Neuropathy, hereditary sensory and autonomic, type 2A (HSAN2A). Also called: ACROOSTEOLYSIS, GIACCAI TYPE; ACROOSTEOLYSIS, NEUROGENIC; MORVAN DISEASE; NEUROPATHY, CONGENITAL SENSORY; NEUROPATHY, HEREDITARY SENSORY RADICULAR, AUTOSOMAL RECESSIVE; NEUROPATHY, HEREDITARY SENSORY, TYPE IIA. Identifiers: Orphanet 970, MedGen C2752089, MONDO:0024309, OMIM 201300.
Generalized epilepsy with febrile seizures plus, type 7 (GEFSP7). Also called: GEFS+, TYPE 7. Identifiers: Orphanet 36387, MedGen C2751778, MONDO:0013470, OMIM 613863.

Allele frequency attached by ClinVar (database versions not stated): gnomAD exomes below 0.00001; TOPMed below 0.00001; gnomAD 0.00001.
gnomAD v4.1: 2 of 1,612,126 alleles (0.00012%); highest among the groups gnomAD compares: Non-Finnish European, 0.00017%; no homozygotes.

Submission:

Labcorp Genetics (formerly Invitae), Labcorp
Classification: Uncertain significance for Neuropathy, hereditary sensory and autonomic, type 2A; Generalized epilepsy with febrile seizures plus, type 7. Last evaluated: 2023-02-02. Review status: criteria provided, single submitter. Criteria: Invitae Variant Classification Sherloc (09022015). Collection method: clinical testing. Allele origin: germline.
Comment: This sequence change replaces isoleucine, which is neutral and non-polar, with leucine, which is neutral and non-polar, at codon 1545 of the SCN9A protein (p.Ile1545Leu). This variant is not present in population databases (gnomAD no frequency). This variant has not been reported in the literature in individuals affected with SCN9A-related conditions. Advanced modeling of protein sequence and biophysical properties (such as structural, functional, and spatial information, amino acid conservation, physicochemical variation, residue mobility, and thermodynamic stability) performed at Invitae indicates that this missense variant is not expected to disrupt SCN9A protein function. In summary, the available evidence is currently insufficient to determine the role of this variant in disease. Therefore, it has been classified as a Variant of Uncertain Significance.